The following is an entry in ClinVar:

ClinVar aggregate classification (germline): Uncertain significance. Review status: criteria provided, multiple submitters, no conflicts (2 of 4 stars). 2 submissions from 2 submitters: Uncertain significance (2). Last evaluated 2024-11-03.

Conditions:
Severe combined immunodeficiency due to IKK2 deficiency. Also called: Immunodeficiency 15; IMMUNODEFICIENCY 15B. Identifiers: Orphanet 397787, MedGen C4747743, MONDO:0014267, OMIM 615592.

Allele frequency attached by ClinVar (database versions not stated): gnomAD 0.00002 and 0.00003; TOPMed 0.00002.
gnomAD v4.1: 13 of 1,614,108 alleles (0.00081%); highest among the groups gnomAD compares: African/African-American, 0.0013%; no homozygotes.

Submissions (2):

Labcorp Genetics (formerly Invitae), Labcorp
Classification: Uncertain significance for Severe combined immunodeficiency due to IKK2 deficiency. Last evaluated: 2024-11-03. Review status: criteria provided, single submitter. Criteria: Invitae Variant Classification Sherloc (09022015). Collection method: clinical testing. Allele origin: germline.
Comment: This sequence change replaces glutamine, which is neutral and polar, with leucine, which is neutral and non-polar, at codon 743 of the IKBKB protein (p.Gln743Leu). This variant is present in population databases (rs201869683, gnomAD 0.0009%). This variant has not been reported in the literature in individuals affected with IKBKB-related conditions. ClinVar contains an entry for this variant (Variation ID: 541641). An algorithm developed to predict the effect of missense changes on protein structure and function (PolyPhen-2) suggests that this variant¬†is likely to be tolerated. In summary, the available evidence is currently insufficient to determine the role of this variant in disease. Therefore, it has been classified as a Variant of Uncertain Significance.

Blueprint Genetics
Classification: Uncertain significance. Last evaluated: 2022-08-09. Review status: criteria provided, single submitter. Criteria: ACMG Guidelines, 2015. Collection method: clinical testing. Allele origin: germline.

NM_001556.3(IKBKB):c.2228A>T (p.Gln743Leu)

Gene: IKBKB (inhibitor of nuclear factor kappa B kinase subunit beta; plus strand). Cytogenetic location: 8p11.21.
Variant type: single nucleotide variant.
Coding change: c.2228A>T on transcript NM_001556.3 (MANE Select); coding-DNA position 2228, A replaced by T.
Protein change: p.Gln743Leu; replaces glutamine 743 with leucine.
Molecular consequence: missense variant. On other transcripts: non-coding transcript variant (3).
Genome position (GRCh38, 1-based): chr8:42,330,936, A>T. VCF-style: chr8-42330936-A-T. GRCh37 (hg19) VCF-style: chr8-42188454-A-T.
Other names: c.2036A>T, p.Gln679Leu (NM_001190720.3); c.2051A>T, p.Gln684Leu (NM_001242778.2); short protein forms Q743L, Q684L, Q679L.
Identifiers: ClinVar variation 541641 (VCV000541641.6), dbSNP rs201869683, ClinGen allele CA175980337.